The following is an entry in ClinVar:

NM_024928.5(STN1):c.133+2dup

Gene: STN1 (STN1 subunit of CST complex; minus strand). Cytogenetic location: 10q24.33.
Variant type: Duplication.
Coding change: c.133+2dup on transcript NM_024928.5 (MANE Select); the canonical splice donor site of the intron after coding-DNA position 133, one base duplicated (T; older notation c.133+2dupT).
Molecular consequence: splice donor variant.
Genome position (GRCh38, 1-based): chr10:103,917,460, A duplicated on the plus strand (T on the coding strand, the reverse complement: STN1 is on the minus strand). VCF-style (leftmost placement, unchanged base first): chr10-103917459-T-TA. GRCh37 (hg19) VCF-style: chr10-105677217-T-TA.
Identifiers: ClinVar variation 1354523 (VCV001354523.6), dbSNP rs2134380561, ClinGen allele CA2573145463.
Genomic context (GRCh38, chr10:103,917,459, plus strand): 5'-CTGAGACTTTGGGAAAGGGTGGCAGATGCAGCCCAGGGCATCCCAGGGTGGCTAGCCACA[T>TA]ACCTGGCACCTGGCGGGACTCCTTCATGTCCAGGATATCCCTGATGTAGAGTTTTGCAAA-3'

ClinVar aggregate classification (germline): Uncertain significance (1 of 4 stars; one submission).

Allele frequency attached by ClinVar (database versions not stated): gnomAD exomes below 0.00001.

Submission:

Labcorp Genetics (formerly Invitae), Labcorp
Classification: Uncertain significance. Last evaluated: 2021-12-13. Review status: criteria provided, single submitter. Criteria: Invitae Variant Classification Sherloc (09022015). Collection method: clinical testing. Allele origin: germline.
Comment: This sequence change falls in intron 2 of the STN1 gene. It does not directly change the encoded amino acid sequence of the STN1 protein. It affects a nucleotide within the consensus splice site. This variant is not present in population databases (gnomAD no frequency). This variant has not been reported in the literature in individuals affected with STN1-related conditions. Variants that disrupt the consensus splice site are a relatively common cause of aberrant splicing (PMID: 17576681, 9536098). Algorithms developed to predict the effect of sequence changes on RNA splicing suggest that this variant may disrupt the consensus splice site. In summary, the available evidence is currently insufficient to determine the role of this variant in disease. Therefore, it has been classified as a Variant of Uncertain Significance.

Literature cited by the submitters: PubMed 17576681; PubMed 9536098.